The following is an entry in ClinVar:

NM_001130144.3(LTBP3):c.677C>G (p.Pro226Arg)

Gene: LTBP3 (latent transforming growth factor beta binding protein 3; minus strand). Cytogenetic location: 11q13.1.
Variant type: single nucleotide variant.
Coding change: c.677C>G on transcript NM_001130144.3 (MANE Select); coding-DNA position 677, C replaced by G.
Protein change: p.Pro226Arg; replaces proline 226 with arginine.
Molecular consequence: missense variant.
Genome position (GRCh38, 1-based): chr11:65,553,888, G>C on the plus strand (C>G on the coding strand, the complement: LTBP3 is on the minus strand). VCF-style: chr11-65553888-G-C. GRCh37 (hg19) VCF-style: chr11-65321359-G-C.
Other names: c.326C>G, p.Pro109Arg (NM_001164266.1); c.677C>G, p.Pro226Arg (NM_021070.4); c.677C>G (NM_001130144.2); short protein forms P109R, P226R.
Identifiers: ClinVar variation 2724268 (VCV002724268.4), dbSNP rs748142400, ClinGen allele CA6101174.

ClinVar aggregate classification (germline): Uncertain significance. Review status: criteria provided, multiple submitters, no conflicts (2 of 4 stars). 2 submissions from 2 submitters: Uncertain significance (2). Last evaluated 2025-08-11.

Conditions:
Inborn genetic diseases. Identifiers: MedGen C0950123, MeSH D030342.
Brachyolmia-amelogenesis imperfecta syndrome. Also called: Tooth agenesis, selective, 6; Dental anomalies and short stature; PLATYSPONDYLY WITH AMELOGENESIS IMPERFECTA. Identifiers: Orphanet 2899, MedGen C1832594, MONDO:0011018, OMIM 601216. Disease mechanism: loss of function.

Allele frequency attached by ClinVar (database versions not stated): gnomAD exomes below 0.00001.
gnomAD v4.1: 4 of 1,551,604 alleles (0.00026%); highest among the groups gnomAD compares: Admixed American, 0.0019%; no homozygotes.

Submissions (2):

Ambry Genetics
Classification: Uncertain significance for Inborn genetic diseases. Last evaluated: 2025-08-11. Review status: criteria provided, single submitter. Criteria: Ambry Variant Classification Scheme 2023. Collection method: clinical testing. Allele origin: germline.

Labcorp Genetics (formerly Invitae), Labcorp
Classification: Uncertain significance for Brachyolmia-amelogenesis imperfecta syndrome. Last evaluated: 2023-02-04. Review status: criteria provided, single submitter. Criteria: Invitae Variant Classification Sherloc (09022015). Collection method: clinical testing. Allele origin: germline.
Comment: In summary, the available evidence is currently insufficient to determine the role of this variant in disease. Therefore, it has been classified as a Variant of Uncertain Significance. Algorithms developed to predict the effect of missense changes on protein structure and function are either unavailable or do not agree on the potential impact of this missense change (SIFT: "Deleterious"; PolyPhen-2: "Probably Damaging"; Align-GVGD: "Class C0"). This variant has not been reported in the literature in individuals affected with LTBP3-related conditions. This variant is present in population databases (rs748142400, gnomAD 0.004%). This sequence change replaces proline, which is neutral and non-polar, with arginine, which is basic and polar, at codon 226 of the LTBP3 protein (p.Pro226Arg).